The following is an entry in ClinVar:

ClinVar aggregate classification (germline): Conflicting classifications of pathogenicity. Review status: criteria provided, conflicting classifications (1 of 4 stars). 2 submissions from 2 submitters: Pathogenic (1); Uncertain significance (1). Last evaluated 2024-12-23.

Conditions:
Inherited Immunodeficiency Diseases. Identifiers: MedGen C5197805, MeSH D000081207.

Submissions (2):

Women's Health and Genetics/Laboratory Corporation of America, LabCorp
Classification: Uncertain significance. Last evaluated: 2024-12-23. Review status: criteria provided, single submitter. Criteria: LabCorp Variant Classification Summary - May 2015. Collection method: clinical testing. Allele origin: germline.
Comment: Variant summary: TERT c.1381G>T (p.Val461Leu) results in a conservative amino acid change located in the telomerase ribonucleoprotein complex - RNA binding domain (IPR021891) of the encoded protein sequence. Four of five in-silico tools predict a damaging effect of the variant on protein function. The variant was absent in 178714 control chromosomes (gnomAD). c.1381G>T has been reported in the literature in a homozygous individual affected with TERT-related conditions (examples: Turro_2020, Thaventhiran_2020). These data indicate that the variant may be associated with disease. To our knowledge, no experimental evidence demonstrating an impact on protein function has been reported. The following publications have been ascertained in the context of this evaluation (PMID: 33709208, 32499645, 39198715, 32581362). ClinVar contains an entry for this variant (Variation ID: 827748). Based on the evidence outlined above, the variant was classified as VUS-possibly pathogenic.

NIHR Bioresource Rare Diseases, University of Cambridge
Classification: Pathogenic for Inherited Immunodeficiency Diseases. Last evaluated: 2019-01-01. Review status: criteria provided, single submitter. Criteria: ACMG Guidelines, 2015. Collection method: research. Allele origin: germline. Affected: yes. Observed: 1 homozygote.

Literature cited by the submitters: PubMed 32581362 (cited by Women's Health and Genetics/Laboratory Corporation of America, LabCorp); PubMed 32499645 (cited by Women's Health and Genetics/Laboratory Corporation of America, LabCorp); PubMed 33709208 (cited by Women's Health and Genetics/Laboratory Corporation of America, LabCorp); PubMed 39198715 (cited by Women's Health and Genetics/Laboratory Corporation of America, LabCorp).

NM_198253.3(TERT):c.1381G>T (p.Val461Leu)

Gene: TERT (telomerase reverse transcriptase; minus strand). Cytogenetic location: 5p15.33.
Variant type: single nucleotide variant.
Coding change: c.1381G>T on transcript NM_198253.3 (MANE Select); coding-DNA position 1381, G replaced by T.
Protein change: p.Val461Leu; replaces valine 461 with leucine.
Molecular consequence: missense variant. On other transcripts: non-coding transcript variant (2).
Genome position (GRCh38, 1-based): chr5:1,293,505, C>A on the plus strand (G>T on the coding strand, the complement: TERT is on the minus strand). VCF-style: chr5-1293505-C-A. GRCh37 (hg19) VCF-style: chr5-1293620-C-A.
Other names: c.1381G>T, p.Val461Leu (NM_001193376.3); short protein forms V461L.
Identifiers: ClinVar variation 827748 (VCV000827748.2), dbSNP rs1579596470, ClinGen allele CA359085900.